The following is an entry in ClinVar:

NM_213595.4(ISCU):c.118G>C (p.Val40Leu)

Gene: ISCU (iron-sulfur cluster assembly enzyme; plus strand). Cytogenetic location: 12q23.3.
Variant type: single nucleotide variant.
Coding change: c.118G>C on transcript NM_213595.4 (MANE Select); coding-DNA position 118, G replaced by C.
Protein change: p.Val40Leu; replaces valine 40 with leucine.
Molecular consequence: missense variant. On other transcripts: non-coding transcript variant (1).
Genome position (GRCh38, 1-based): chr12:108,564,282, G>C. VCF-style: chr12-108564282-G-C. GRCh37 (hg19) VCF-style: chr12-108958058-G-C.
Other names: c.118G>C, p.Val40Leu (NM_001301140.1, NM_001301141.1, NM_001320042.1); c.43G>C, p.Val15Leu (NM_014301.4); short protein forms V40L, V15L.
Identifiers: ClinVar variation 2039157 (VCV002039157.3), dbSNP rs1470808236, ClinGen allele CA386429460.

ClinVar aggregate classification (germline): Uncertain significance (1 of 4 stars; one submission).

Allele frequency attached by ClinVar (database versions not stated): gnomAD exomes below 0.00001; TOPMed below 0.00001.
gnomAD v4.1: 1 of 1,612,272 alleles (0.000062%); highest among the groups gnomAD compares: Admixed American, 0.0017%; no homozygotes.

Submission:

Labcorp Genetics (formerly Invitae), Labcorp
Classification: Uncertain significance. Last evaluated: 2022-06-07. Review status: criteria provided, single submitter. Criteria: Invitae Variant Classification Sherloc (09022015). Collection method: clinical testing. Allele origin: germline.
Comment: In summary, the available evidence is currently insufficient to determine the role of this variant in disease. Therefore, it has been classified as a Variant of Uncertain Significance. Algorithms developed to predict the effect of missense changes on protein structure and function are either unavailable or do not agree on the potential impact of this missense change (SIFT: "Deleterious"; PolyPhen-2: "Benign"; Align-GVGD: "Class C0"). This variant has not been reported in the literature in individuals affected with ISCU-related conditions. This variant is present in population databases (no rsID available, gnomAD 0.003%). This sequence change replaces valine, which is neutral and non-polar, with leucine, which is neutral and non-polar, at codon 40 of the ISCU protein (p.Val40Leu).